The following is an entry in ClinVar:

NM_000540.3(RYR1):c.13925C>G (p.Pro4642Arg)

Gene: RYR1 (ryanodine receptor 1; plus strand). Cytogenetic location: 19q13.2.
Variant type: single nucleotide variant.
Coding change: c.13925C>G on transcript NM_000540.3 (MANE Select); coding-DNA position 13925, C replaced by G.
Protein change: p.Pro4642Arg; replaces proline 4642 with arginine.
Molecular consequence: missense variant.
Genome position (GRCh38, 1-based): chr19:38,572,197, C>G. VCF-style: chr19-38572197-C-G. GRCh37 (hg19) VCF-style: chr19-39062837-C-G.
Other names: c.13910C>G, p.Pro4637Arg (NM_001042723.2); short protein forms P4637R, P4642R.
Identifiers: ClinVar variation 2035604 (VCV002035604.4), dbSNP rs2145870190, ClinGen allele CA405681163.

ClinVar aggregate classification (germline): Uncertain significance (1 of 4 stars; one submission).

Conditions:
RYR1-related disorder. Also called: RYR1-related condition; RYR1-related disorders. Identifiers: MedGen CN239331.

Submission:

Labcorp Genetics (formerly Invitae), Labcorp
Classification: Uncertain significance for RYR1-related disorder. Last evaluated: 2022-06-04. Review status: criteria provided, single submitter. Criteria: Invitae Variant Classification Sherloc (09022015). Collection method: clinical testing. Allele origin: germline.
Comment: This variant has not been reported in the literature in individuals affected with RYR1-related conditions. This sequence change replaces proline, which is neutral and non-polar, with arginine, which is basic and polar, at codon 4642 of the RYR1 protein (p.Pro4642Arg). This variant is not present in population databases (gnomAD no frequency). Advanced modeling of protein sequence and biophysical properties (such as structural, functional, and spatial information, amino acid conservation, physicochemical variation, residue mobility, and thermodynamic stability) performed at Invitae indicates that this missense variant is expected to disrupt RYR1 protein function. In summary, the available evidence is currently insufficient to determine the role of this variant in disease. Therefore, it has been classified as a Variant of Uncertain Significance.